The following is an entry in ClinVar:

NM_003334.4(UBA1):c.1482C>T (p.Cys494=)

Gene: UBA1 (ubiquitin like modifier activating enzyme 1; plus strand). Cytogenetic location: Xp11.3.
Variant type: single nucleotide variant.
Coding change: c.1482C>T on transcript NM_003334.4 (MANE Select); coding-DNA position 1482, C replaced by T.
Protein change: p.Cys494=; no amino-acid change (cysteine 494 retained).
Molecular consequence: synonymous variant.
Genome position (GRCh38, 1-based): chrX:47,203,603, C>T. VCF-style: chrX-47203603-C-T. GRCh37 (hg19) VCF-style: chrX-47063002-C-T.
Other names: c.1482C>T, p.Cys494= (NM_153280.3).
Identifiers: ClinVar variation 735269 (VCV000735269.34), dbSNP rs782484295, ClinGen allele CA10395923.

ClinVar aggregate classification (germline): Benign/Likely benign. Review status: criteria provided, multiple submitters, no conflicts (2 of 4 stars). 2 submissions from 2 submitters: Benign (1); Likely benign (1). Last evaluated 2025-01-25.

Conditions:
Infantile-onset X-linked spinal muscular atrophy. Also called: ARTHROGRYPOSIS, X-LINKED, TYPE I; SPINAL MUSCULAR ATROPHY, X-LINKED LETHAL INFANTILE; AMC, DISTAL, X-LINKED; Spinal muscular atrophy, X-linked 2; Spinal Muscular Atrophy, X-Linked Infantile. Identifiers: Orphanet 1145, MedGen C1844934, MONDO:0010532, OMIM 301830.

Allele frequency attached by ClinVar (database versions not stated): gnomAD exomes 0.00004 and 0.00007; ExAC 0.00007; gnomAD 0.00008 and 0.00010; TOPMed 0.00009.

Submissions (2):

Labcorp Genetics (formerly Invitae), Labcorp
Classification: Benign for Infantile-onset X-linked spinal muscular atrophy. Last evaluated: 2025-01-25. Review status: criteria provided, single submitter. Criteria: Invitae Variant Classification Sherloc (09022015). Collection method: clinical testing. Allele origin: germline.

CeGaT Center for Human Genetics Tuebingen
Classification: Likely benign. Last evaluated: 2022-05-01. Review status: criteria provided, single submitter. Criteria: CeGaT Center For Human Genetics Tuebingen Variant Classification Criteria Version 2. Collection method: clinical testing. Allele origin: germline. Affected: yes. Observed: 2 variant alleles.
Comment: UBA1: BP4, BP7